The following is an entry in ClinVar:

ClinVar aggregate classification (germline): Uncertain significance (1 of 4 stars; one submission).

Submission:

Ambry Genetics
Classification: Uncertain significance. Last evaluated: 2021-08-11. Review status: criteria provided, single submitter. Criteria: Ambry Variant Classification Scheme 2023. Collection method: clinical testing. Allele origin: germline.
Comment: The p.S962R variant (also known as c.2886T>A), located in coding exon 16 of the POLQ gene, results from a T to A substitution at nucleotide position 2886. The serine at codon 962 is replaced by arginine, an amino acid with dissimilar properties. This amino acid position is conserved. In addition, this alteration is predicted to be tolerated by in silico analysis. Since supporting evidence is limited at this time, the clinical significance of this alteration remains unclear.

NM_199420.4(POLQ):c.2886T>A (p.Ser962Arg)

Gene: POLQ (DNA polymerase theta; minus strand). Cytogenetic location: 3q13.33.
Variant type: single nucleotide variant.
Coding change: c.2886T>A on transcript NM_199420.4 (MANE Select); coding-DNA position 2886, T replaced by A.
Protein change: p.Ser962Arg; replaces serine 962 with arginine.
Molecular consequence: missense variant.
Genome position (GRCh38, 1-based): chr3:121,490,045, A>T on the plus strand (T>A on the coding strand, the complement: POLQ is on the minus strand). VCF-style: chr3-121490045-A-T. GRCh37 (hg19) VCF-style: chr3-121208892-A-T.
Other names: short protein forms S962R.
Identifiers: ClinVar variation 1797227 (VCV001797227.2), dbSNP rs2048053412, ClinGen allele CA354104098.
Genomic context (GRCh38, chr3:121,490,045, plus strand): 5'-TGTCTGATGTTCTTGATTCCCATTCTGGAAATTACAATTAAAGGAACTTGTATGCTCTCT[A>T]CTTTTATTTAAGTCTTGCACTATATTTGGTGAATGCTTAATATAAGAATCACTAAATATT-3'
Protein context (NP_955452.3, residues 952-972): SPNIVQDLNK[Ser962Arg]REHTSSFNCN